The following is an entry in ClinVar:

ClinVar aggregate classification (germline): Uncertain significance. Review status: criteria provided, multiple submitters, no conflicts (2 of 4 stars). 3 submissions from 3 submitters: Uncertain significance (3). Last evaluated 2022-01-03.

Conditions:
Autosomal recessive nonsyndromic hearing loss 84B. Also called: Deafness, autosomal recessive 84b. Identifiers: Orphanet 90636, MedGen C3554159, MONDO:0013984, OMIM 614944.
Inborn genetic diseases. Identifiers: MedGen C0950123, MeSH D030342.

Allele frequency attached by ClinVar (database versions not stated): gnomAD exomes 0.00002 and 0.00009; ExAC 0.00013; gnomAD 0.00026 and 0.00029; TOPMed 0.00027; ESP Exome Variant Server 0.00062.
gnomAD v4.1: 74 of 1,603,656 alleles (0.0046%); highest among the groups gnomAD compares: African/African-American, 0.096%; no homozygotes.

Submissions (3):

Fulgent Genetics
Classification: Uncertain significance for Autosomal recessive nonsyndromic hearing loss 84B. Last evaluated: 2022-01-03. Review status: criteria provided, single submitter. Criteria: ACMG Guidelines, 2015. Collection method: clinical testing. Allele origin: unknown.

Ambry Genetics
Classification: Uncertain significance for Inborn genetic diseases. Last evaluated: 2021-09-15. Review status: criteria provided, single submitter. Criteria: Ambry Variant Classification Scheme 2023. Collection method: clinical testing. Allele origin: germline.

GeneDx
Classification: Uncertain significance. Last evaluated: 2021-09-03. Review status: criteria provided, single submitter. Criteria: GeneDx Variant Classification Process June 2021. Collection method: clinical testing. Allele origin: germline. Affected: yes.
Comment: In silico analysis supports that this missense variant does not alter protein structure/function; Has not been previously published as pathogenic or benign to our knowledge

NM_001378609.3(OTOGL):c.6864A>G (p.Ile2288Met)

Gene: OTOGL (otogelin like; plus strand). Cytogenetic location: 12q21.31.
Variant type: single nucleotide variant.
Coding change: c.6864A>G on transcript NM_001378609.3 (MANE Select); coding-DNA position 6864, A replaced by G.
Protein change: p.Ile2288Met; replaces isoleucine 2288 with methionine.
Molecular consequence: missense variant.
Genome position (GRCh38, 1-based): chr12:80,377,850, A>G. VCF-style: chr12-80377850-A-G. GRCh37 (hg19) VCF-style: chr12-80771630-A-G.
Other names: c.6729A>G, p.Ile2243Met (NM_001368062.3); c.6864A>G, p.Ile2288Met (NM_001378610.3, NM_173591.7); short protein forms I2243M, I2288M.
Identifiers: ClinVar variation 1254775 (VCV001254775.6), dbSNP rs145876584, ClinGen allele CA6702188.
Genomic context (GRCh38, chr12:80,377,850, plus strand): 5'-ATAATAACCAGTACTTTTAAAAGTTTAAGACTTTTTTTCTCATTGTCACTTCTTACAGAT[A>G]AATGTTGCATCTTGTGACGGCAAATGCCCATCAGCTACCATATATAACATCAATATTGAA-3'
Protein context (NP_001365538.2, residues 2278-2298): RKQDCMSQSP[Ile2288Met]NVASCDGKCP